The following is an entry in ClinVar:

ClinVar aggregate classification (germline): Uncertain significance (1 of 4 stars; one submission).

Conditions:
Kabuki syndrome 1 (KABUK1). Also called: KMT2D-Related Kabuki Syndrome. Identifiers: Orphanet 2322, MedGen CN030661, MONDO:0007843, OMIM 147920.

Submission:

HudsonAlpha Institute for Biotechnology
Classification: Uncertain significance for Kabuki syndrome 1. Last evaluated: 2021-04-16. Review status: criteria provided, single submitter. Criteria: ACMG Guidelines, 2015. Collection method: research. Allele origin: unknown. Observed: 1 variant allele. Study: HudsonAlpha-AGHI-WGS.
Comment: ACMG codes:PM2,PP3

NM_003482.4(KMT2D):c.14110A>T (p.Ser4704Cys)

Gene: KMT2D (lysine methyltransferase 2D; minus strand). Cytogenetic location: 12q13.12.
Variant type: single nucleotide variant.
Coding change: c.14110A>T on transcript NM_003482.4 (MANE Select); coding-DNA position 14110, A replaced by T.
Protein change: p.Ser4704Cys; replaces serine 4704 with cysteine.
Molecular consequence: missense variant.
Genome position (GRCh38, 1-based): chr12:49,029,202, T>A on the plus strand (A>T on the coding strand, the complement: KMT2D is on the minus strand). VCF-style: chr12-49029202-T-A. GRCh37 (hg19) VCF-style: chr12-49422985-T-A.
Other names: short protein forms S4704C.
Identifiers: ClinVar variation 1251947 (VCV001251947.1), dbSNP rs1592110663, ClinGen allele CA384697663.
Genomic context (GRCh38, chr12:49,029,202, plus strand): 5'-GAGGGAAACGAGGGGCCTCCTCCCCCAAGATGCTCTCAGGGGATGAAGCTGGCACAATGC[T>A]GTCAGGAGAATCGCTATCCTCATCACTCTCCATCCTGGGGACCAAAAGTAGACATTTGTT-3'
Protein context (NP_003473.3, residues 4694-4714): ESDEDSDSPD[Ser4704Cys]IVPASSPESI